The following is an entry in ClinVar:

NM_015559.3(SETBP1):c.553C>T (p.Pro185Ser)

Gene: SETBP1 (SET binding protein 1; plus strand). Cytogenetic location: 18q12.3.
Variant type: single nucleotide variant.
Coding change: c.553C>T on transcript NM_015559.3 (MANE Select); coding-DNA position 553, C replaced by T.
Protein change: p.Pro185Ser; replaces proline 185 with serine.
Molecular consequence: missense variant.
Genome position (GRCh38, 1-based): chr18:44,949,893, C>T. VCF-style: chr18-44949893-C-T. GRCh37 (hg19) VCF-style: chr18-42529858-C-T.
Other names: c.553C>T, p.Pro185Ser (NM_001379141.1, NM_001379142.1, NM_001410862.1); short protein forms P185S.
Identifiers: ClinVar variation 3067800 (VCV003067800.22), dbSNP rs2511463988, ClinGen allele CA402316317.

ClinVar aggregate classification (germline): Uncertain significance. Review status: criteria provided, multiple submitters, no conflicts (2 of 4 stars). 2 submissions from 2 submitters: Uncertain significance (2). Last evaluated 2024-03-01.

Allele frequency attached by ClinVar (database versions not stated): gnomAD exomes below 0.00001.
gnomAD v4.1: 2 of 1,613,308 alleles (0.00012%); highest among the groups gnomAD compares: Non-Finnish European, 0.00017%; no homozygotes.

Submissions (2):

CeGaT Center for Human Genetics Tuebingen
Classification: Uncertain significance. Last evaluated: 2024-03-01. Review status: criteria provided, single submitter. Criteria: CeGaT Center For Human Genetics Tuebingen Variant Classification Criteria Version 2. Collection method: clinical testing. Allele origin: germline. Affected: yes. Observed: 1 variant allele.
Comment: SETBP1: PM2, BP4

Blueprint Genetics
Classification: Uncertain significance. Last evaluated: 2019-10-10. Review status: criteria provided, single submitter. Criteria: ACMG Guidelines, 2015. Collection method: clinical testing. Allele origin: germline.